The following is an entry in ClinVar:

ClinVar aggregate classification (germline): Uncertain significance (1 of 4 stars; one submission).

Conditions:
Hereditary cancer-predisposing syndrome. Also called: Neoplastic Syndromes, Hereditary; Tumor predisposition; Hereditary Cancer Syndrome; Hereditary neoplastic syndrome. Identifiers: Orphanet 140162, MedGen C0027672, MeSH D009386, MONDO:0015356.

Submission:

Ambry Genetics
Classification: Uncertain significance for Hereditary cancer-predisposing syndrome. Last evaluated: 2022-06-10. Review status: criteria provided, single submitter. Criteria: Ambry Variant Classification Scheme 2023. Collection method: clinical testing. Allele origin: germline.
Comment: The p.I131S variant (also known as c.392T>G), located in coding exon 4 of the NF2 gene, results from a T to G substitution at nucleotide position 392. The isoleucine at codon 131 is replaced by serine, an amino acid with dissimilar properties. This amino acid position is conserved. In addition, this alteration is predicted to be deleterious by in silico analysis. Since supporting evidence is limited at this time, the clinical significance of this alteration remains unclear.

NM_000268.4(NF2):c.392T>G (p.Ile131Ser)

Gene: NF2 (NF2, moesin-ezrin-radixin like (MERLIN) tumor suppressor; plus strand). Cytogenetic location: 22q12.2.
Variant type: single nucleotide variant.
Coding change: c.392T>G on transcript NM_000268.4 (MANE Select); coding-DNA position 392, T replaced by G.
Protein change: p.Ile131Ser; replaces isoleucine 131 with serine.
Molecular consequence: missense variant. On other transcripts: non-coding transcript variant (1).
Genome position (GRCh38, 1-based): chr22:29,642,230, T>G. VCF-style: chr22-29642230-T-G. GRCh37 (hg19) VCF-style: chr22-30038219-T-G.
Other names: c.278T>G, p.Ile93Ser (NM_001407053.1, NM_001407056.1); c.269T>G, p.Ile90Ser (NM_001407054.1, NM_001407058.1, NM_001407062.1 and 1 more transcripts); c.266T>G, p.Ile89Ser (NM_001407055.1, NM_181828.3); c.392T>G, p.Ile131Ser (NM_001407057.1, NM_001407059.1, NM_001407060.1 and 5 more transcripts); c.143T>G, p.Ile48Ser (NM_001407063.1, NM_001407064.1, NM_181830.3 and 1 more transcripts); c.-249T>G (NM_001407065.1); c.161T>G, p.Ile54Ser (NM_001407067.1); short protein forms I48S, I54S, I89S, I90S, I93S, I131S.
Identifiers: ClinVar variation 1736263 (VCV001736263.2), dbSNP rs2146893334, ClinGen allele CA411153778.